The following is an entry in ClinVar:

NM_000169.3(GLA):c.825del (p.Ser276fs)

Genes: GLA (galactosidase alpha; minus strand), RPL36A-HNRNPH2 (RPL36A-HNRNPH2 readthrough; plus strand). Cytogenetic location: Xq22.1.
Variant type: Deletion.
Coding change: c.825del on transcript NM_000169.3 (MANE Select); coding-DNA position 825, one base deleted (C; older notation c.825delC).
Protein change: p.Ser276fs; shifts the reading frame from serine 276.
Molecular consequence: frameshift variant. On other transcripts: non-coding transcript variant (3), intron variant (2).
Genome position (GRCh38, 1-based): chrX:101,398,544, G deleted on the plus strand (C on the coding strand, the reverse complement: GLA is on the minus strand). VCF-style (leftmost placement, unchanged base first): chrX-101398543-TG-T. GRCh37 (hg19) VCF-style: chrX-100653531-TG-T.
Other names: c.948del, p.Ser317fs (NM_001406747.1); c.825del, p.Ser276fs (NM_001406748.1); c.300+3087del (NM_001199973.2); c.177+6722del (NM_001199974.2); short protein forms S276fs, S317fs.
Identifiers: ClinVar variation 4087010 (VCV004087010.2).

ClinVar aggregate classification (germline): Pathogenic (1 of 4 stars; one submission).

Conditions:
Fabry disease. Also called: ALPHA-GALACTOSIDASE A DEFICIENCY; ANDERSON-FABRY DISEASE; CERAMIDE TRIHEXOSIDASE DEFICIENCY; GLA DEFICIENCY; HEREDITARY DYSTOPIC LIPIDOSIS; Angiokeratoma corporis diffusum. Identifiers: Orphanet 324, MedGen C0002986, MONDO:0010526, OMIM 301500, HP:0001071. Disease mechanism: Fabry disease is due to inactivating mutations in the X-linked GLA gene resulting in deficiency of the enzyme Alpha Galactosidase-A., loss of function.

Submission:

Genomenon, Inc
Classification: Pathogenic for Fabry disease. Last evaluated: 2026-09-08. Review status: criteria provided, single submitter. Criteria: Genomenon Sequence Variant Interpretation Standards - Updated. Collection method: curation. Allele origin: germline. Affected: yes.
Comment: GLA p.Ser276AlafsTer6 (c.825del) is a frameshift variant that is predicted to introduce a premature termination codon and result in a truncated or absent protein product. This variant has been observed in at least one proband with clinical features consistent with Fabry disease (PMID:32389574). Functional or patient cell studies have been reported (PMID:32389574). It is absent or not present at a significant frequency in gnomAD. In conclusion, we classify GLA p.Ser276AlafsTer6 (c.825del) as a pathogenic variant.

Literature cited by the submitters: PubMed 32389574.